The following is an entry in ClinVar:

ClinVar aggregate classification (germline): Uncertain significance (1 of 4 stars; one submission).

Conditions:
Inborn genetic diseases. Identifiers: MedGen C0950123, MeSH D030342.

Submission:

Ambry Genetics
Classification: Uncertain significance for Inborn genetic diseases. Last evaluated: 2025-01-19. Review status: criteria provided, single submitter. Criteria: Ambry Variant Classification Scheme 2023. Collection method: clinical testing. Allele origin: germline.
Comment: The p.C88S variant (also known as c.263G>C), located in coding exon 2 of the MBD4 gene, results from a G to C substitution at nucleotide position 263. The cysteine at codon 88 is replaced by serine, an amino acid with dissimilar properties. This amino acid position is conserved. In addition, the in silico prediction for this alteration is inconclusive. Based on the available evidence, the clinical significance of this variant remains unclear.

NM_001276270.2(MBD4):c.263G>C (p.Cys88Ser)

Gene: MBD4 (methyl-CpG binding domain 4, DNA glycosylase; minus strand). Cytogenetic location: 3q21.3.
Variant type: single nucleotide variant.
Coding change: c.263G>C on transcript NM_001276270.2 (MANE Select); coding-DNA position 263, G replaced by C.
Protein change: p.Cys88Ser; replaces cysteine 88 with serine.
Molecular consequence: missense variant. On other transcripts: intron variant (1).
Genome position (GRCh38, 1-based): chr3:129,437,792, C>G on the plus strand (G>C on the coding strand, the complement: MBD4 is on the minus strand). VCF-style: chr3-129437792-C-G. GRCh37 (hg19) VCF-style: chr3-129156635-C-G.
Other names: c.263G>C, p.Cys88Ser (NM_001276271.2, NM_001276272.2, NM_003925.3); c.247+16G>C (NM_001276273.2); short protein forms C88S.
Identifiers: ClinVar variation 3870904 (VCV003870904.1).
Genomic context (GRCh38, chr3:129,437,792, plus strand): 5'-ACATCAAATCTTCCTGCTGTCTTCCCAAATAACCTTTGCTTCACAACTCTTTCCCATCCA[C>G]ATGGGACAGACTTACGGCATTCTGTTCCTGCAGTAGCACCAAACTGAGCAGAAGCGATGG-3'
Protein context (NP_001263199.1, residues 78-98): AGTECRKSVP[Cys88Ser]GWERVVKQRL